The following is an entry in ClinVar:

NM_001353345.2(SETD1B):c.5356C>T (p.Gln1786Ter)

Gene: SETD1B (SET domain containing 1B, histone lysine methyltransferase; plus strand). Cytogenetic location: 12q24.31.
Variant type: single nucleotide variant.
Coding change: c.5356C>T on transcript NM_001353345.2 (MANE Select); coding-DNA position 5356, C replaced by T.
Protein change: p.Gln1786Ter; replaces glutamine 1786 with a stop codon.
Molecular consequence: nonsense.
Genome position (GRCh38, 1-based): chr12:121,827,537, C>T. VCF-style: chr12-121827537-C-T. GRCh37 (hg19) VCF-style: chr12-122265443-C-T.
Other names: short protein forms Q1786*.
Identifiers: ClinVar variation 4294317 (VCV004294317.1).

ClinVar aggregate classification (germline): Pathogenic (1 of 4 stars; one submission).

Conditions:
Intellectual developmental disorder with seizures and language delay (IDDSELD). Identifiers: MedGen C5436574, MONDO:0033559, OMIM 619000.

Submission:

Clinical Genomic Analysis (GENYSIS) Core, University of North Carolina at Chapel Hill
Classification: Pathogenic for Intellectual developmental disorder with seizures and language delay. Last evaluated: 2025-10-01. Review status: criteria provided, single submitter. Criteria: ACMG Guidelines, 2015. Collection method: research. Allele origin: de novo. Affected: yes. Observed: 1 heterozygote. Study: UNC Genetic Determinants of Neurological and Developmental Disorders (GDNDD) Study.
Comment: SETD1B c.5356C>T, p.(Gln1786Ter), is a nonsense variant in exon 14 of 17 that is predicted to result in premature protein truncation and loss of protein function. This variant is absent from control individuals in the gnomADv4.1 population database and has not been reported in the literature or in ClinVar. Based on the available information, we consider this variant pathogenic. ACMG codes: PVS1 (null variant), PS2 (confirmed de novo), PM2_Supporting (absent from gnomAD)